The following is an entry in ClinVar:

NM_000138.5(FBN1):c.319A>T (p.Ile107Leu)

Gene: FBN1 (fibrillin 1; minus strand). Cytogenetic location: 15q21.1.
Variant type: single nucleotide variant.
Coding change: c.319A>T on transcript NM_000138.5 (MANE Select); coding-DNA position 319, A replaced by T.
Protein change: p.Ile107Leu; replaces isoleucine 107 with leucine.
Molecular consequence: missense variant.
Genome position (GRCh38, 1-based): chr15:48,610,755, T>A on the plus strand (A>T on the coding strand, the complement: FBN1 is on the minus strand). VCF-style: chr15-48610755-T-A. GRCh37 (hg19) VCF-style: chr15-48902952-T-A.
Other names: short protein forms I107L.
Identifiers: ClinVar variation 1677476 (VCV001677476.9), dbSNP rs2140733930, ClinGen allele CA392446902.

ClinVar aggregate classification (germline): Uncertain significance. Review status: criteria provided, multiple submitters, no conflicts (2 of 4 stars). 4 submissions from 4 submitters: Uncertain significance (4). Last evaluated 2024-03-05.

Conditions:
Marfan syndrome (MFS). Also called: Marfan syndrome, classic; MARFAN SYNDROME, TYPE I; Marfan syndrome type 1; Marfan's syndrome; FBN1-Related Marfan Syndrome. Identifiers: Orphanet 284963, Orphanet 558, MedGen C0024796, MONDO:0007947, OMIM 154700.
Geleophysic dysplasia 2 (GPHYSD2). Identifiers: Orphanet 2623, MedGen C3280054, MONDO:0013612, OMIM 614185.
Progeroid and marfanoid aspect-lipodystrophy syndrome. Also called: MARFAN-PROGEROID-LIPODYSTROPHY SYNDROME; Marfan lipodystrophy syndrome; MARFANOID-PROGEROID SYNDROME; MARFANOID-PROGEROID-LIPODYSTROPHY SYNDROME. Identifiers: Orphanet 300382, MedGen C4310796, MONDO:0014831, OMIM 616914.
MASS syndrome (OCTD). Also called: MASS PHENOTYPE; OVERLAP CONNECTIVE TISSUE DISEASE. Identifiers: MedGen C1858556, MONDO:0011431, OMIM 604308.
Ectopia lentis 1, isolated, autosomal dominant (ECTOL1). Identifiers: Orphanet 1885, MedGen C3541518, MONDO:0007514, OMIM 129600.
Stiff skin syndrome (SSKS). Identifiers: Orphanet 2833, MedGen C1861456, MONDO:0008492, OMIM 184900.
Acromicric dysplasia (ACMICD). Also called: Acromicric skeletal dysplasia. Identifiers: Orphanet 969, MedGen C0265287, MONDO:0007055, OMIM 102370.
Weill-Marchesani syndrome 2, dominant. Also called: FBN1-Related Weill-Marchesani Syndrome; Weill-Marchesani Syndrome, Autosomal Dominant. Identifiers: Orphanet 2084, MedGen C1869115, MONDO:0012013, OMIM 608328.
Familial thoracic aortic aneurysm and aortic dissection (TAAD). Also called: Thoracic aortic aneurysms and dissections. Identifiers: Orphanet 91387, MedGen C4707243, MONDO:0019625.

Allele frequency attached by ClinVar (database versions not stated): gnomAD exomes below 0.00001.
gnomAD v4.1: 2 of 1,614,076 alleles (0.00012%); highest among the groups gnomAD compares: Non-Finnish European, 0.00017%; no homozygotes.

Submissions (4):

All of Us Research Program, National Institutes of Health
Classification: Uncertain significance for Marfan syndrome. Last evaluated: 2024-03-05. Review status: criteria provided, single submitter. Criteria: ACMG Guidelines, 2015. Collection method: clinical testing. Allele origin: germline. Inheritance: Autosomal dominant inheritance. Observed: 2 variant alleles, 2 heterozygotes.
Comment: This missense variant replaces isoleucine with leucine at codon 107 of the FBN1 protein. Computational prediction tool suggests that this variant may have deleterious impact on protein structure and function (internally defined REVEL score threshold >=0.7, PMID: 27666373). To our knowledge, functional studies have not been reported for this variant. This variant has been reported in one individual affected with adolescent idiopathic scoliosis (PMID: 24833718). This variant has not been identified in the general population by the Genome Aggregation Database (gnomAD). The available evidence is insufficient to determine the role of this variant in disease conclusively. Therefore, this variant is classified as a Variant of Uncertain Significance.

This study involves interpretation of variants in research participants for the purpose of population health screening. Participant phenotype was not available at the time of variant classification. Additional details can be found in publication PMID: 35346344, PMCID: PMC8962531

Labcorp Genetics (formerly Invitae), Labcorp
Classification: Uncertain significance for Marfan syndrome; Familial thoracic aortic aneurysm and aortic dissection. Last evaluated: 2023-12-10. Review status: criteria provided, single submitter. Criteria: Invitae Variant Classification Sherloc (09022015). Collection method: clinical testing. Allele origin: germline.
Comment: This sequence change replaces isoleucine, which is neutral and non-polar, with leucine, which is neutral and non-polar, at codon 107 of the FBN1 protein (p.Ile107Leu). This variant is not present in population databases (gnomAD no frequency). This missense change has been observed in individual(s) with adolescent idiopathic scoliosis (PMID: 24833718). ClinVar contains an entry for this variant (Variation ID: 1677476). Advanced modeling of protein sequence and biophysical properties (such as structural, functional, and spatial information, amino acid conservation, physicochemical variation, residue mobility, and thermodynamic stability) performed at Invitae indicates that this missense variant is not expected to disrupt FBN1 protein function with a negative predictive value of 95%. In summary, the available evidence is currently insufficient to determine the role of this variant in disease. Therefore, it has been classified as a Variant of Uncertain Significance.

Fulgent Genetics
Classification: Uncertain significance for Acromicric dysplasia; Ectopia lentis 1, isolated, autosomal dominant; Marfan syndrome; Stiff skin syndrome; MASS syndrome; Weill-Marchesani syndrome 2, dominant; Geleophysic dysplasia 2; Progeroid and marfanoid aspect-lipodystrophy syndrome. Last evaluated: 2021-11-11. Review status: criteria provided, single submitter. Criteria: ACMG Guidelines, 2015. Collection method: clinical testing. Allele origin: unknown.

AiLife Diagnostics
Classification: Uncertain significance. Last evaluated: 2021-08-31. Review status: criteria provided, single submitter. Criteria: ACMG Guidelines, 2015. Collection method: clinical testing. Allele origin: germline. Affected: yes. Observed: 1 variant allele.

Literature cited by the submitters: PubMed 24833718 (cited by 3 submitters).